The following is an entry in ClinVar:

ClinVar aggregate classification (germline): Uncertain significance (1 of 4 stars; one submission).

Conditions:
Primary immunodeficiency with post-measles-mumps-rubella vaccine viral infection. Also called: Immunodeficiency 44. Identifiers: Orphanet 431166, MedGen C4225260, MONDO:0014715, OMIM 616636.

Submission:

Labcorp Genetics (formerly Invitae), Labcorp
Classification: Uncertain significance for Primary immunodeficiency with post-measles-mumps-rubella vaccine viral infection. Last evaluated: 2020-12-24. Review status: criteria provided, single submitter. Criteria: Invitae Variant Classification Sherloc (09022015). Collection method: clinical testing. Allele origin: germline.
Comment: This sequence change replaces asparagine with threonine at codon 473 of the STAT2 protein (p.Asn473Thr). The asparagine residue is highly conserved and there is a small physicochemical difference between asparagine and threonine. In summary, the available evidence is currently insufficient to determine the role of this variant in disease. Therefore, it has been classified as a Variant of Uncertain Significance. Advanced modeling of protein sequence and biophysical properties (such as structural, functional, and spatial information, amino acid conservation, physicochemical variation, residue mobility, and thermodynamic stability) performed at Invitae indicates that this missense variant is expected to disrupt STAT2 protein function. This variant has not been reported in the literature in individuals with STAT2-related conditions. This variant is not present in population databases (ExAC no frequency).

NM_005419.4(STAT2):c.1418A>C (p.Asn473Thr)

Gene: STAT2 (signal transducer and activator of transcription 2; minus strand). Cytogenetic location: 12q13.3.
Variant type: single nucleotide variant.
Coding change: c.1418A>C on transcript NM_005419.4 (MANE Select); coding-DNA position 1418, A replaced by C.
Protein change: p.Asn473Thr; replaces asparagine 473 with threonine.
Molecular consequence: missense variant. On other transcripts: intron variant (1).
Genome position (GRCh38, 1-based): chr12:56,349,185, T>G on the plus strand (A>C on the coding strand, the complement: STAT2 is on the minus strand). VCF-style: chr12-56349185-T-G. GRCh37 (hg19) VCF-style: chr12-56742969-T-G.
Other names: c.1385A>C, p.Asn462Thr (NM_001385110.1); c.1418A>C, p.Asn473Thr (NM_001385113.1); c.1397A>C, p.Asn466Thr (NM_001385114.1); c.1406A>C, p.Asn469Thr (NM_001385115.1, NM_198332.2); c.1342-126A>C (NM_001385111.1); short protein forms N473T, N462T, N469T, N466T.
Identifiers: ClinVar variation 1497128 (VCV001497128.8), dbSNP rs746423465, ClinGen allele CA385260928.